The following is an entry in ClinVar:

ClinVar aggregate classification (germline): Conflicting classifications of pathogenicity. Review status: criteria provided, conflicting classifications (1 of 4 stars). 2 submissions from 2 submitters: Uncertain significance (1); Likely benign (1). Last evaluated 2023-03-23.

Conditions:
Hereditary cancer-predisposing syndrome. Also called: Tumor predisposition; Hereditary Cancer Syndrome; Neoplastic Syndromes, Hereditary; Hereditary neoplastic syndrome. Identifiers: Orphanet 140162, MedGen C0027672, MeSH D009386, MONDO:0015356.

Submissions (2):

University of Washington Department of Laboratory Medicine, University of Washington
Classification: Likely benign for Hereditary cancer-predisposing syndrome. Last evaluated: 2023-03-23. Review status: criteria provided, single submitter. Criteria: Dines et al. (Genet Med. 2020). Collection method: curation. Allele origin: germline.
Comment: Missense variant in a coldspot region where missense variants are very unlikely to be pathogenic (PMID:31911673).

BRCA1 coldspot (exon 11 using historical exon numbering). Reclassification based on statistical prior probability

Ambry Genetics
Classification: Uncertain significance for Hereditary cancer-predisposing syndrome. Last evaluated: 2021-12-11. Review status: criteria provided, single submitter. Criteria: Ambry Variant Classification Scheme 2023. Collection method: clinical testing. Allele origin: germline.
Comment: The p.S950Y variant (also known as c.2849C>A), located in coding exon 9 of the BRCA1 gene, results from a C to A substitution at nucleotide position 2849. The serine at codon 950 is replaced by tyrosine, an amino acid with dissimilar properties. This amino acid position is conserved. In addition, the in silico prediction for this alteration is inconclusive. Since supporting evidence is limited at this time, the clinical significance of this alteration remains unclear.

NM_007294.4(BRCA1):c.2849C>A (p.Ser950Tyr)

Gene: BRCA1 (BRCA1 DNA repair associated; minus strand). Cytogenetic location: 17q21.31.
Variant type: single nucleotide variant.
Coding change: c.2849C>A on transcript NM_007294.4 (MANE Select); coding-DNA position 2849, C replaced by A.
Protein change: p.Ser950Tyr; replaces serine 950 with tyrosine.
Molecular consequence: missense variant. On other transcripts: intron variant (137).
Genome position (GRCh38, 1-based): chr17:43,092,682, G>T on the plus strand (C>A on the coding strand, the complement: BRCA1 is on the minus strand). VCF-style: chr17-43092682-G-T. GRCh37 (hg19) VCF-style: chr17-41244699-G-T.
Other names: c.647-1650C>A (NM_001408453.1, NM_001408461.1, NM_001408467.1 and 11 more transcripts); c.785-1650C>A (NM_001408397.1, NM_001408401.1, NM_001408396.1 and 13 more transcripts); c.665-1650C>A (NM_001408436.1, NM_001408444.1, NM_001408438.1 and 12 more transcripts); c.788-1650C>A (NM_001407980.1, NM_001407993.1, NM_001407976.1 and 17 more transcripts); c.653-1650C>A (NM_001408451.1); c.644-1650C>A (NM_001408464.1, NM_001408468.1, NM_001408465.1 and 3 more transcripts); c.524-1650C>A (NM_001408498.1, NM_001408501.1, NM_001408500.1 and 3 more transcripts); c.584-1650C>A (NM_001408475.1); and 41 more; short protein forms S654Y, S879Y, S903Y, S909Y, S823Y, S839Y, S862Y, S924Y.
Identifiers: ClinVar variation 1796799 (VCV001796799.4), dbSNP rs1555588847, ClinGen allele CA10596291.